The following is an entry in ClinVar:

ClinVar aggregate classification (germline): Likely pathogenic (1 of 4 stars; one submission).

Conditions:
CEP164-related disorder. Also called: CEP164-related condition.

Submission:

PreventionGenetics, part of Exact Sciences
Classification: Likely pathogenic for CEP164-related condition. Last evaluated: 2025-03-06. Review status: criteria provided, single submitter. Criteria: ACMG Guidelines, 2015. Collection method: clinical testing. Allele origin: germline.
Comment: The CEP164 c.2051dupA variant is predicted to result in a frameshift and premature protein termination (p.Asp684Glufs*2). To our knowledge this variant has not been reported in the literature. This variant is reported in 0.00088% of alleles in individuals of European (Non-Finnish) descent in gnomAD. Frameshift variants in CEP164 are expected to be pathogenic. This variant is interpreted as likely pathogenic.

NM_014956.5(CEP164):c.2051dup (p.Asp684fs)

Gene: CEP164 (centrosomal protein 164; plus strand). Cytogenetic location: 11q23.3.
Variant type: Duplication.
Coding change: c.2051dup on transcript NM_014956.5 (MANE Select); coding-DNA position 2051, one base duplicated (A; older notation c.2051dupA).
Protein change: p.Asp684fs; shifts the reading frame from aspartic acid 684.
Molecular consequence: frameshift variant.
Genome position (GRCh38, 1-based): chr11:117,390,893, A duplicated. VCF-style (leftmost placement, unchanged base first): chr11-117390892-G-GA. GRCh37 (hg19) VCF-style: chr11-117261608-G-GA.
Other names: c.2060dup, p.Asp687fs (NM_001271933.2, NM_001440949.1); c.2051dup, p.Asp684fs (NM_001440950.1, NM_001440951.1, NM_001440953.1); c.1886dup, p.Asp629fs (NM_001440952.1, NM_001440968.1, NM_001440969.1); c.1973dup, p.Asp658fs (NM_001440954.1, NM_001440955.1, NM_001440958.1 and 1 more transcripts); c.1964dup, p.Asp655fs (NM_001440956.1, NM_001440957.1); c.1922dup, p.Asp641fs (NM_001440960.1); c.1913dup, p.Asp638fs (NM_001440961.1, NM_001440967.1); c.1904dup, p.Asp635fs (NM_001440962.1, NM_001440963.1, NM_001440964.1 and 4 more transcripts); and 7 more; short protein forms D559fs, D588fs, D629fs, D635fs, D655fs, D565fs, D638fs, D539fs.
Identifiers: ClinVar variation 4983326 (VCV004983326.1).